The following is an entry in ClinVar:

ClinVar aggregate classification (germline): Uncertain significance (1 of 4 stars; one submission).

Conditions:
SLX4-related disorder. Also called: SLX4-related condition.

Submission:

PreventionGenetics, part of Exact Sciences
Classification: Uncertain significance for SLX4-related condition. Last evaluated: 2024-12-10. Review status: criteria provided, single submitter. Criteria: ACMG Guidelines, 2015. Collection method: clinical testing. Allele origin: germline.
Comment: The SLX4 c.4901A>T variant is predicted to result in the amino acid substitution p.Tyr1634Phe. To our knowledge, this variant has not been reported in the literature or in a large population database (gnomAD), indicating this variant is rare. At this time, the clinical significance of this variant is uncertain due to the absence of conclusive functional and genetic evidence.

NM_032444.4(SLX4):c.4901A>T (p.Tyr1634Phe)

Gene: SLX4 (SLX4 structure-specific endonuclease subunit; minus strand). Cytogenetic location: 16p13.3.
Variant type: single nucleotide variant.
Coding change: c.4901A>T on transcript NM_032444.4 (MANE Select); coding-DNA position 4901, A replaced by T.
Protein change: p.Tyr1634Phe; replaces tyrosine 1634 with phenylalanine.
Molecular consequence: missense variant.
Genome position (GRCh38, 1-based): chr16:3,583,349, T>A on the plus strand (A>T on the coding strand, the complement: SLX4 is on the minus strand). VCF-style: chr16-3583349-T-A. GRCh37 (hg19) VCF-style: chr16-3633350-T-A.
Other names: short protein forms Y1634F.
Identifiers: ClinVar variation 5002419 (VCV005002419.1).